The following is an entry in ClinVar:

NM_004448.4(ERBB2):c.1021+5C>G

Gene: ERBB2 (erb-b2 receptor tyrosine kinase 2; plus strand). Cytogenetic location: 17q12.
Variant type: single nucleotide variant.
Coding change: c.1021+5C>G on transcript NM_004448.4 (MANE Select); 5 bases into the intron after coding-DNA position 1021, C replaced by G.
Molecular consequence: intron variant.
Genome position (GRCh38, 1-based): chr17:39,712,052, C>G. VCF-style: chr17-39712052-C-G. GRCh37 (hg19) VCF-style: chr17-37868305-C-G.
Other names: c.931+5C>G (NM_001382782.1, NM_001005862.3, NM_001289938.2 and 1 more transcripts); c.976+5C>G (NM_001289936.2); c.1096+5C>G (NM_001382787.1); c.1021+5C>G (NM_001382784.1, NM_001382786.1, NM_001382789.1 and 16 more transcripts); c.763+5C>G (NM_001382802.1); c.841+5C>G (NM_001382799.1); c.1012+5C>G (NM_001382791.1); c.193+5C>G (NM_001382804.1).
Identifiers: ClinVar variation 1395854 (VCV001395854.6), dbSNP rs368604946, ClinGen allele CA8533789.

ClinVar aggregate classification (germline): Uncertain significance (1 of 4 stars; one submission).

Allele frequency attached by ClinVar (database versions not stated): ExAC 0.00001; gnomAD exomes 0.00001; ESP Exome Variant Server 0.00008.
gnomAD v4.1: 21 of 1,613,844 alleles (0.0013%); highest among the groups gnomAD compares: Non-Finnish European, 0.0018%; no homozygotes.

Submission:

Labcorp Genetics (formerly Invitae), Labcorp
Classification: Uncertain significance. Last evaluated: 2021-09-07. Review status: criteria provided, single submitter. Criteria: Invitae Variant Classification Sherloc (09022015). Collection method: clinical testing. Allele origin: germline.
Comment: In summary, the available evidence is currently insufficient to determine the role of this variant in disease. Therefore, it has been classified as a Variant of Uncertain Significance. Variants that disrupt the consensus splice site are a relatively common cause of aberrant splicing (PMID: 17576681, 9536098). Algorithms developed to predict the effect of sequence changes on RNA splicing suggest that this variant may create or strengthen a splice site. This variant has not been reported in the literature in individuals affected with ERBB2-related conditions. This variant is present in population databases (rs368604946, ExAC 0.002%). This sequence change falls in intron 8 of the ERBB2 gene. It does not directly change the encoded amino acid sequence of the ERBB2 protein. It affects a nucleotide within the consensus splice site of the intron.

Literature cited by the submitters: PubMed 17576681; PubMed 9536098.